The following is an entry in ClinVar:

ClinVar aggregate classification (germline): Uncertain significance. Review status: criteria provided, multiple submitters, no conflicts (2 of 4 stars). 2 submissions from 2 submitters: Uncertain significance (2). Last evaluated 2024-01-24.

Allele frequency attached by ClinVar (database versions not stated): ExAC 0.00005; gnomAD exomes 0.00006; gnomAD 0.00026 and 0.00030; TOPMed 0.00028.
gnomAD v4.1: 107 of 1,551,462 alleles (0.0069%); highest among the groups gnomAD compares: African/African-American, 0.073%; no homozygotes.

Submissions (2):

Labcorp Genetics (formerly Invitae), Labcorp
Classification: Uncertain significance. Last evaluated: 2024-01-24. Review status: criteria provided, single submitter. Criteria: Invitae Variant Classification Sherloc (09022015). Collection method: clinical testing. Allele origin: germline.
Comment: This sequence change replaces isoleucine, which is neutral and non-polar, with valine, which is neutral and non-polar, at codon 276 of the KPNA7 protein (p.Ile276Val). This variant is present in population databases (rs745528364, gnomAD 0.05%). This variant has not been reported in the literature in individuals affected with KPNA7-related conditions. ClinVar contains an entry for this variant (Variation ID: 1010440). Advanced modeling of protein sequence and biophysical properties (such as structural, functional, and spatial information, amino acid conservation, physicochemical variation, residue mobility, and thermodynamic stability) performed at Invitae indicates that this missense variant is not expected to disrupt KPNA7 protein function with a negative predictive value of 80%. In summary, the available evidence is currently insufficient to determine the role of this variant in disease. Therefore, it has been classified as a Variant of Uncertain Significance.

Ambry Genetics
Classification: Uncertain significance. Last evaluated: 2021-08-09. Review status: criteria provided, single submitter. Criteria: Ambry Variant Classification Scheme 2023. Collection method: clinical testing. Allele origin: germline.

NM_001145715.3(KPNA7):c.826A>G (p.Ile276Val)

Gene: KPNA7 (karyopherin subunit alpha 7; minus strand). Cytogenetic location: 7q22.1.
Variant type: single nucleotide variant.
Coding change: c.826A>G on transcript NM_001145715.3 (MANE Select); coding-DNA position 826, A replaced by G.
Protein change: p.Ile276Val; replaces isoleucine 276 with valine.
Molecular consequence: missense variant.
Genome position (GRCh38, 1-based): chr7:99,188,374, T>C on the plus strand (A>G on the coding strand, the complement: KPNA7 is on the minus strand). VCF-style: chr7-99188374-T-C. GRCh37 (hg19) VCF-style: chr7-98785997-T-C.
Other names: c.826A>G (NM_001145715.1); short protein forms I276V.
Identifiers: ClinVar variation 1010440 (VCV001010440.8), dbSNP rs745528364, ClinGen allele CA4363184.